The following is an entry in ClinVar:

ClinVar aggregate classification (germline): Uncertain significance (1 of 4 stars; one submission).

Allele frequency attached by ClinVar (database versions not stated): gnomAD 0.00001; gnomAD exomes 0.00001.
gnomAD v4.1: 6 of 1,614,020 alleles (0.00037%); highest among the groups gnomAD compares: Non-Finnish European, 0.00051%; no homozygotes.

Submission:

GeneDx
Classification: Uncertain significance. Last evaluated: 2014-12-22. Review status: criteria provided, single submitter. Criteria: GeneDx Variant Classification (06012015). Collection method: clinical testing. Allele origin: germline. Affected: yes.
Comment: p.Gly1467Ala (GGC>GCC): c.4400 G>C in exon 13 of the GRIN2B gene (NM_000834.3). The G1467A variant has not been published as a mutation, nor has it been reported as a benign polymorphism to our knowledge. It was not observed in approximately 6,500 individuals of European and African American ancestry in the NHLBI Exome Sequencing Project, indicating it is not a common benign variant in these populations. The G1467A variant is a conservative amino acid substitution, which is not likely to impact secondary protein structure as these residues share similar properties. However, this substitution occurs at a position that is conserved across species. In silico analysis is inconsistent in its predictions as to whether or not the variant is damaging to the protein structure/function. Therefore, based on the currently available information, it is unclear whether this variant is a pathogenic mutation or a rare benign variant. The variant is found in INFANT-EPI panel(s).

NM_000834.5(GRIN2B):c.4400G>C (p.Gly1467Ala)

Gene: GRIN2B (glutamate ionotropic receptor NMDA type subunit 2B; minus strand). Cytogenetic location: 12p13.1.
Variant type: single nucleotide variant.
Coding change: c.4400G>C on transcript NM_000834.5 (MANE Select); coding-DNA position 4400, G replaced by C.
Protein change: p.Gly1467Ala; replaces glycine 1467 with alanine.
Molecular consequence: missense variant.
Genome position (GRCh38, 1-based): chr12:13,562,838, C>G on the plus strand (G>C on the coding strand, the complement: GRIN2B is on the minus strand). VCF-style: chr12-13562838-C-G. GRCh37 (hg19) VCF-style: chr12-13715772-C-G.
Other names: p.G1467A:GGC>GCC; short protein forms G1467A.
Identifiers: ClinVar variation 205726 (VCV000205726.2), dbSNP rs200127692, ClinGen allele CA315079.